The following is an entry in ClinVar:

ClinVar aggregate classification (germline): Likely pathogenic (1 of 4 stars; one submission).

Conditions:
Classic homocystinuria. Also called: HOMOCYSTINURIA WITH OR WITHOUT RESPONSE TO PYRIDOXINE; Homocystinuria due to CBS deficiency; Cystathionine beta-synthase deficiency; CBS deficiency; Homocystinuria due to Cystathionine Beta-Synthase Deficiency. Identifiers: Orphanet 394, MedGen C0751202, MONDO:0009352, OMIM 236200.

Submission:

Natera, Inc.
Classification: Likely pathogenic for Homocystinuria due to cystathionine beta-synthase deficiency. Last evaluated: 2025-03-11. Review status: criteria provided, single submitter. Criteria: Natera Variant Classification Schema (03/2026). Collection method: clinical testing. Allele origin: germline.
Comment: The c.513_517del variant in CBS is a frameshift variant predicted to shift the reading frame beginning at codon 171 and leads to a stop codon 15 codons downstream. This variant is expected to result in nonsense mediated decay, truncation, or a dysfunctional protein product. This variant is rare in the general population with a frequency below the threshold expected for the associated phenotype(s). Given the available evidence, this variant is classified as Likely Pathogenic.

NM_000071.3(CBS):c.513_517del (p.Glu171fs)

Gene: CBS (cystathionine beta-synthase; minus strand). Cytogenetic location: 21q22.3.
Variant type: Deletion.
Coding change: c.513_517del on transcript NM_000071.3 (MANE Select); coding-DNA positions 513 to 517, 5 bases deleted (GAAGA; older notation c.513_517delGAAGA).
Protein change: p.Glu171fs; shifts the reading frame from glutamic acid 171.
Molecular consequence: frameshift variant.
Genome position (GRCh38, 1-based): chr21:43,065,630-43,065,634, TCTTC deleted on the plus strand (GAAGA on the coding strand, the reverse complement: CBS is on the minus strand); deleting any 5 consecutive bases within chr21:43,065,630-43,065,637 gives the same sequence; the c. name uses the placement nearest the transcript's 3' end. VCF-style (leftmost placement, unchanged base first): chr21-43065629-ATCTTC-A. GRCh37 (hg19) VCF-style: chr21-44485739-ATCTTC-A.
Other names: c.510_514delAGAGA, p.Glu171Aspfs (NM_000071.2); c.513_517del, p.Glu171fs (NM_001178008.3, NM_001178009.3, NM_001320298.2); c.198_202del, p.Glu66fs (NM_001321072.1); short protein forms E171fs, E66fs.
Identifiers: ClinVar variation 4064001 (VCV004064001.2).